The following is an entry in ClinVar:

ClinVar aggregate classification (germline): Uncertain significance. Review status: criteria provided, multiple submitters, no conflicts (2 of 4 stars). 6 submissions from 6 submitters: Uncertain significance (4). 2 of the submissions do not count toward it. Last evaluated 2026-07-28.

Conditions:
Nephronophthisis. Also called: Juvenile Nephronophthisis. Identifiers: Orphanet 655, MedGen C0687120, MONDO:0019005, HP:0000090.
NPHP4-related disorder. Also called: NPHP4-related disorders; NPHP4-related condition. Identifiers: MedGen CN239384.
Inborn genetic diseases. Identifiers: MedGen C0950123, MeSH D030342.

gnomAD v4.1: 12 of 1,613,106 alleles (0.00074%); highest among the groups gnomAD compares: Admixed American, 0.005%; no homozygotes.

Submissions (6):

PreventionGenetics, part of Exact Sciences
Classification: Uncertain significance for NPHP4-related condition. Last evaluated: 2026-07-28. Review status: criteria provided, single submitter. Criteria: ACMG Guidelines, 2015. Collection method: clinical testing. Allele origin: germline.
Comment: The NPHP4 c.2327C>T variant is predicted to result in the amino acid substitution p.Pro776Leu. To our knowledge, this variant has not been reported in the literature. This variant is reported in 0.010% of alleles in individuals of East Asian descent in gnomAD. At this time, the clinical significance of this variant is uncertain due to the absence of conclusive functional and genetic evidence.

Ambry Genetics
Classification: Uncertain significance for Inborn genetic diseases. Last evaluated: 2025-05-19. Review status: criteria provided, single submitter. Criteria: Ambry Variant Classification Scheme 2023. Collection method: clinical testing. Allele origin: germline.

Blueprint Genetics
Classification: Uncertain significance. Last evaluated: 2024-01-23. Review status: criteria provided, single submitter. Criteria: ACMG Guidelines, 2015. Collection method: clinical testing. Allele origin: germline.

Labcorp Genetics (formerly Invitae), Labcorp
Classification: Uncertain significance for Nephronophthisis. Last evaluated: 2023-08-17. Review status: criteria provided, single submitter. Criteria: Invitae Variant Classification Sherloc (09022015). Collection method: clinical testing. Allele origin: germline.
Comment: This sequence change replaces proline, which is neutral and non-polar, with leucine, which is neutral and non-polar, at codon 776 of the NPHP4 protein (p.Pro776Leu). This variant is present in population databases (rs201527181, gnomAD 0.01%). This variant has not been reported in the literature in individuals affected with NPHP4-related conditions. ClinVar contains an entry for this variant (Variation ID: 1040129). Advanced modeling of protein sequence and biophysical properties (such as structural, functional, and spatial information, amino acid conservation, physicochemical variation, residue mobility, and thermodynamic stability) performed at Invitae indicates that this missense variant is expected to disrupt NPHP4 protein function. In summary, the available evidence is currently insufficient to determine the role of this variant in disease. Therefore, it has been classified as a Variant of Uncertain Significance.

Clinical Genetics DNA and cytogenetics Diagnostics Lab, Erasmus MC, Erasmus Medical Center
Classification: Uncertain significance. Review status: no assertion criteria provided. Collection method: clinical testing. Allele origin: germline. Affected: yes. Study: VKGL Data-share Consensus. Not counted in ClinVar's aggregate classification.

Clinical Genetics, Academic Medical Center
Classification: Uncertain significance. Review status: no assertion criteria provided. Collection method: clinical testing. Allele origin: germline. Affected: yes. Study: VKGL Data-share Consensus. Not counted in ClinVar's aggregate classification.

NM_015102.5(NPHP4):c.2327C>T (p.Pro776Leu)

Gene: NPHP4 (nephrocystin 4; minus strand). Cytogenetic location: 1p36.31.
Variant type: single nucleotide variant.
Coding change: c.2327C>T on transcript NM_015102.5 (MANE Select); coding-DNA position 2327, C replaced by T.
Protein change: p.Pro776Leu; replaces proline 776 with leucine.
Molecular consequence: missense variant. On other transcripts: non-coding transcript variant (1).
Genome position (GRCh38, 1-based): chr1:5,887,444, G>A on the plus strand (C>T on the coding strand, the complement: NPHP4 is on the minus strand). VCF-style: chr1-5887444-G-A. GRCh37 (hg19) VCF-style: chr1-5947504-G-A.
Other names: c.2327C>T (NM_015102.4, NM_015102.3); c.788C>T, p.Pro263Leu (NM_001291593.2); c.791C>T, p.Pro264Leu (NM_001291594.2); short protein forms P264L, P776L, P263L.
Identifiers: ClinVar variation 1040129 (VCV001040129.12), dbSNP rs201527181, ClinGen allele CA554152.